The following is an entry in ClinVar:

ClinVar aggregate classification (germline): Uncertain significance. Review status: criteria provided, multiple submitters, no conflicts (2 of 4 stars). 2 submissions from 2 submitters: Uncertain significance (2). Last evaluated 2023-08-14.

Conditions:
Cardiovascular phenotype. Identifiers: MedGen CN230736.
Arrhythmogenic right ventricular dysplasia 9 (ARVD9). Also called: Arrhythmogenic Right Ventricular Dysplasia/Cardiomyopathy 9; ARRHYTHMOGENIC RIGHT VENTRICULAR DYSPLASIA, FAMILIAL, 9. Identifiers: MedGen C1836906, MONDO:0012180, OMIM 609040.

Allele frequency attached by ClinVar (database versions not stated): TOPMed below 0.00001.

Submissions (2):

Labcorp Genetics (formerly Invitae), Labcorp
Classification: Uncertain significance for Arrhythmogenic right ventricular dysplasia 9. Last evaluated: 2023-08-14. Review status: criteria provided, single submitter. Criteria: Invitae Variant Classification Sherloc (09022015). Collection method: clinical testing. Allele origin: germline.
Comment: In summary, the available evidence is currently insufficient to determine the role of this variant in disease. Therefore, it has been classified as a Variant of Uncertain Significance. This sequence change replaces aspartic acid, which is acidic and polar, with glycine, which is neutral and non-polar, at codon 498 of the PKP2 protein (p.Asp498Gly). This variant is not present in population databases (gnomAD no frequency). This variant has not been reported in the literature in individuals affected with PKP2-related conditions. ClinVar contains an entry for this variant (Variation ID: 1773825). An algorithm developed to predict the effect of missense changes on protein structure and function (PolyPhen-2) suggests that this variant is likely to be tolerated.

Ambry Genetics
Classification: Uncertain significance for Cardiovascular phenotype. Last evaluated: 2021-08-31. Review status: criteria provided, single submitter. Criteria: Ambry Variant Classification Scheme 2023. Collection method: clinical testing. Allele origin: germline.
Comment: The p.D498G variant (also known as c.1493A>G), located in coding exon 6 of the PKP2 gene, results from an A to G substitution at nucleotide position 1493. The aspartic acid at codon 498 is replaced by glycine, an amino acid with similar properties. This amino acid position is conserved. In addition, this alteration is predicted to be tolerated by in silico analysis. Since supporting evidence is limited at this time, the clinical significance of this alteration remains unclear.

NM_001005242.3(PKP2):c.1379-1994A>G

Gene: PKP2 (plakophilin 2; minus strand). Cytogenetic location: 12p11.21.
Variant type: single nucleotide variant.
Coding change: c.1379-1994A>G on transcript NM_001005242.3 (MANE Select); 1994 bases into the intron before coding-DNA position 1379, A replaced by G.
Molecular consequence: intron variant. On other transcripts: missense variant (2).
Genome position (GRCh38, 1-based): chr12:32,843,199, T>C on the plus strand (A>G on the coding strand, the complement: PKP2 is on the minus strand). VCF-style: chr12-32843199-T-C. GRCh37 (hg19) VCF-style: chr12-32996133-T-C.
Other names: c.1493A>G, p.Asp498Gly (NM_001407157.1, NM_004572.4); short protein forms D498G.
Identifiers: ClinVar variation 1773825 (VCV001773825.5), dbSNP rs1956614373, ClinGen allele CA384368586.